The following is an entry in ClinVar:

ClinVar aggregate classification (germline): Likely pathogenic (1 of 4 stars; one submission).

Conditions:
Deficiency of alpha-mannosidase (MANSA). Also called: Mannosidosis, alpha-, types I and II; Alpha-Mannosidosis; LYSOSOMAL ALPHA-D-MANNOSIDASE DEFICIENCY. Identifiers: Orphanet 61, MedGen C0024748, MONDO:0009561, OMIM 248500.

Submission:

Labcorp Genetics (formerly Invitae), Labcorp
Classification: Likely pathogenic for Deficiency of alpha-mannosidase. Last evaluated: 2023-05-21. Review status: criteria provided, single submitter. Criteria: Invitae Variant Classification Sherloc (09022015). Collection method: clinical testing. Allele origin: germline.
Comment: In summary, the currently available evidence indicates that the variant is pathogenic, but additional data are needed to prove that conclusively. Therefore, this variant has been classified as Likely Pathogenic. Algorithms developed to predict the effect of sequence changes on RNA splicing suggest that this variant may disrupt the consensus splice site. This variant has not been reported in the literature in individuals affected with MAN2B1-related conditions. This variant is not present in population databases (gnomAD no frequency). This sequence change affects an acceptor splice site in intron 4 of the MAN2B1 gene. It is expected to disrupt RNA splicing. Variants that disrupt the donor or acceptor splice site typically lead to a loss of protein function (PMID: 16199547), and loss-of-function variants in MAN2B1 are known to be pathogenic (PMID: 9915946, 22161967).

Literature cited by the submitters: PubMed 16199547; PubMed 9915946; PubMed 22161967.

NM_000528.4(MAN2B1):c.631-2A>C

Gene: MAN2B1 (mannosidase alpha class 2B member 1; minus strand). Cytogenetic location: 19p13.13.
Variant type: single nucleotide variant.
Coding change: c.631-2A>C on transcript NM_000528.4 (MANE Select); the canonical splice acceptor site of the intron before coding-DNA position 631, A replaced by C.
Molecular consequence: splice acceptor variant.
Genome position (GRCh38, 1-based): chr19:12,663,837, T>G on the plus strand (A>C on the coding strand, the complement: MAN2B1 is on the minus strand). VCF-style: chr19-12663837-T-G. GRCh37 (hg19) VCF-style: chr19-12774651-T-G.
Other names: c.631-2A>C (NM_001173498.2).
Identifiers: ClinVar variation 2866578 (VCV002866578.3), dbSNP rs2512512595, ClinGen allele CA404253114.